The following is an entry in ClinVar:

NM_018896.5(CACNA1G):c.1919G>C (p.Ser640Thr)

Gene: CACNA1G (calcium voltage-gated channel subunit alpha1 G; plus strand). Cytogenetic location: 17q21.33.
Variant type: single nucleotide variant.
Coding change: c.1919G>C on transcript NM_018896.5 (MANE Select); coding-DNA position 1919, G replaced by C.
Protein change: p.Ser640Thr; replaces serine 640 with threonine.
Molecular consequence: missense variant. On other transcripts: non-coding transcript variant (5).
Genome position (GRCh38, 1-based): chr17:50,576,321, G>C. VCF-style: chr17-50576321-G-C. GRCh37 (hg19) VCF-style: chr17-48653682-G-C.
Other names: c.1919G>C, p.Ser640Thr (NM_001256324.2, NM_001256325.2, NM_001256326.2 and 24 more transcripts); short protein forms S640T.
Identifiers: ClinVar variation 3371035 (VCV003371035.1).

ClinVar aggregate classification (germline): Uncertain significance (1 of 4 stars; one submission).

gnomAD v4.1: 4 of 1,568,776 alleles (0.00025%); highest among the groups gnomAD compares: Admixed American, 0.0019%; no homozygotes.

Submission:

GeneDx
Classification: Uncertain significance. Last evaluated: 2024-03-19. Review status: criteria provided, single submitter. Criteria: GeneDx Variant Classification Process June 2021. Collection method: clinical testing. Allele origin: germline. Affected: yes.
Comment: Not observed at significant frequency in large population cohorts (gnomAD); In silico analysis supports that this missense variant does not alter protein structure/function; Has not been previously published as pathogenic or benign to our knowledge